The following is an entry in ClinVar:

ClinVar aggregate classification (germline): Uncertain significance. Review status: criteria provided, multiple submitters, no conflicts (2 of 4 stars). 2 submissions from 2 submitters: Uncertain significance (2). Last evaluated 2025-10-27.

Conditions:
Inborn genetic diseases. Identifiers: MedGen C0950123, MeSH D030342.

gnomAD v4.1: 1 of 1,109,239 alleles (0.00009%); highest among the groups gnomAD compares: Non-Finnish European, 0.00012%; no homozygotes.

Submissions (2):

Labcorp Genetics (formerly Invitae), Labcorp
Classification: Uncertain significance. Last evaluated: 2025-10-27. Review status: criteria provided, single submitter. Criteria: Invitae Variant Classification Sherloc (09022015). Collection method: clinical testing. Allele origin: germline.
Comment: This sequence change replaces serine, which is neutral and polar, with leucine, which is neutral and non-polar, at codon 458 of the POLA1 protein (p.Ser458Leu). This variant is not present in population databases (gnomAD no frequency). This variant has not been reported in the literature in individuals affected with POLA1-related conditions. ClinVar contains an entry for this variant (Variation ID: 1945136). An algorithm developed to predict the effect of missense changes on protein structure and function (PolyPhen-2) suggests that this variant is likely to be tolerated. In summary, the available evidence is currently insufficient to determine the role of this variant in disease. Therefore, it has been classified as a Variant of Uncertain Significance.

Ambry Genetics
Classification: Uncertain significance for Inborn genetic diseases. Last evaluated: 2025-03-16. Review status: criteria provided, single submitter. Criteria: Ambry Variant Classification Scheme 2023. Collection method: clinical testing. Allele origin: germline.

NM_001330360.2(POLA1):c.1391C>T (p.Ser464Leu)

Gene: POLA1 (DNA polymerase alpha 1, catalytic subunit; plus strand). Cytogenetic location: Xp22.11.
Variant type: single nucleotide variant.
Coding change: c.1391C>T on transcript NM_001330360.2 (MANE Select); coding-DNA position 1391, C replaced by T.
Protein change: p.Ser464Leu; replaces serine 464 with leucine.
Molecular consequence: missense variant. On other transcripts: non-coding transcript variant (2), intron variant (1).
Genome position (GRCh38, 1-based): chrX:24,726,054, C>T. VCF-style: chrX-24726054-C-T. GRCh37 (hg19) VCF-style: chrX-24744171-C-T.
Other names: c.1373C>T, p.Ser458Leu (NM_016937.4); c.1318-879C>T (NM_001378303.1); c.1373C>T (NM_016937.3); short protein forms S458L, S464L.
Identifiers: ClinVar variation 1945136 (VCV001945136.6), dbSNP rs2518787239, ClinGen allele CA412533365.